The following is an entry in ClinVar:

NM_024408.4(NOTCH2):c.3661C>A (p.Leu1221Ile)

Gene: NOTCH2 (notch receptor 2; minus strand). Cytogenetic location: 1p12.
Variant type: single nucleotide variant.
Coding change: c.3661C>A on transcript NM_024408.4 (MANE Select); coding-DNA position 3661, C replaced by A.
Protein change: p.Leu1221Ile; replaces leucine 1221 with isoleucine.
Molecular consequence: missense variant.
Genome position (GRCh38, 1-based): chr1:119,929,207, G>T on the plus strand (C>A on the coding strand, the complement: NOTCH2 is on the minus strand). VCF-style: chr1-119929207-G-T. GRCh37 (hg19) VCF-style: chr1-120471830-G-T.
Other names: short protein forms L1221I.
Identifiers: ClinVar variation 1805576 (VCV001805576.2), dbSNP rs781976514, ClinGen allele CA341894840.

ClinVar aggregate classification (germline): Uncertain significance. Review status: criteria provided, multiple submitters, no conflicts (2 of 4 stars). 2 submissions from 2 submitters: Uncertain significance (2). Last evaluated 2024-05-07.

Conditions:
Alagille syndrome due to a NOTCH2 point mutation. Also called: Alagille syndrome 2. Identifiers: Orphanet 261629, Orphanet 52, MedGen C1857761, MONDO:0012439, OMIM 610205.
Hajdu-Cheney syndrome (HJCYS). Also called: ACROOSTEOLYSIS WITH OSTEOPOROSIS AND CHANGES IN SKULL AND MANDIBLE; SERPENTINE FIBULA-POLYCYSTIC KIDNEY SYNDROME; Acroosteolysis dominant type. Identifiers: Orphanet 955, MedGen C0917715, MONDO:0007057, OMIM 102500.

gnomAD v4.1: 1 of 1,612,950 alleles (0.000062%); highest among the groups gnomAD compares: Middle Eastern, 0.017%; no homozygotes.

Submissions (2):

Fulgent Genetics
Classification: Uncertain significance for Hajdu-Cheney syndrome; Alagille syndrome due to a NOTCH2 point mutation. Last evaluated: 2024-05-07. Review status: criteria provided, single submitter. Criteria: ACMG Guidelines, 2015. Collection method: clinical testing. Allele origin: germline.

Victorian Clinical Genetics Services, Murdoch Childrens Research Institute
Classification: Uncertain significance for Alagille syndrome due to a NOTCH2 point mutation. Last evaluated: 2020-05-21. Review status: criteria provided, single submitter. Criteria: ACMG Guidelines, 2015. Collection method: clinical testing. Allele origin: germline. Inheritance: Autosomal dominant inheritance.
Comment: A heterozygous missense variant was identified, NM_024408.3(NOTCH2):c.3661C>A in exon 23 of 34 of the NOTCH2 gene. This substitution is predicted to create a minor amino acid change from a leucine to an isoleucine at position 1221 of the protein, NP_077719.2(NOTCH2):p.(Leu1221Ile). The leucine at this position has low conservation (100 vertebrates, UCSC), and is located within the calcium-binding EGF-like domain. In silico software predictions of the pathogenicity of this variant are conflicting (PolyPhen, SIFT, CADD, MutationTaster). The variant is present in the gnomAD population database at a frequency of 0.0008% (2 heterozygotes). An alternative change to a phenylalanine at the same residue has also been reported in the gnomAD database at a frequency of 0.0004%. The variant has not been previously reported in clinical cases. Based on information available at the time of curation, this variant has been classified as a VARIANT of UNCERTAIN SIGNIFICANCE (VUS) with LOW CLINICAL RELEVANCE. Legend: (P) - Pathogenic, (N) - Neutral, (B) - Benign